The following is an entry in ClinVar:

ClinVar aggregate classification (germline): Likely pathogenic. Review status: criteria provided, multiple submitters, no conflicts (2 of 4 stars). 3 submissions from 3 submitters: Likely pathogenic (2). 1 of the submissions does not count toward it. Last evaluated 2024-06-10.

Conditions:
Isovaleryl-CoA dehydrogenase deficiency (IVA). Also called: Classic Isovaleric Acidemia; ISOVALERIC ACID CoA DEHYDROGENASE DEFICIENCY; Isovaleric acidemia; IVD DEFICIENCY. Identifiers: Orphanet 33, MedGen C0268575, MONDO:0009475, OMIM 243500.

Submissions (3):

Natera, Inc.
Classification: Likely pathogenic for Isovaleryl-coa dehydrogenase deficiency. Last evaluated: 2024-06-10. Review status: criteria provided, single submitter. Criteria: Natera Variant Classification Schema (03/2026). Collection method: clinical testing. Allele origin: germline.
Comment: The c.983delA variant in IVD is a frameshift variant predicted to shift the reading frame beginning at codon 328 and leads to a stop codon 36 codons downstream. This variant is expected to result in nonsense mediated decay, truncation, or a dysfunctional protein product. This variant is rare in the general population with a frequency below the threshold expected for the associated phenotype(s). Given the available evidence, this variant is classified as Likely Pathogenic.

Fulgent Genetics
Classification: Likely pathogenic for Isovaleryl-CoA dehydrogenase deficiency. Last evaluated: 2024-05-24. Review status: criteria provided, single submitter. Criteria: ACMG Guidelines, 2015. Collection method: clinical testing. Allele origin: germline.

Counsyl
Classification: Likely pathogenic for Isovaleryl-CoA dehydrogenase deficiency. Last evaluated: 2017-07-10. Review status: no assertion criteria provided. Collection method: clinical testing. Allele origin: unknown. Not counted in ClinVar's aggregate classification.

NM_002225.5(IVD):c.974del (p.Lys325fs)

Gene: IVD (isovaleryl-CoA dehydrogenase; plus strand). Cytogenetic location: 15q15.1.
Variant type: Deletion.
Coding change: c.974del on transcript NM_002225.5 (MANE Select); coding-DNA position 974, one base deleted (A; older notation c.974delA).
Protein change: p.Lys325fs; shifts the reading frame from lysine 325.
Molecular consequence: frameshift variant. On other transcripts: non-coding transcript variant (1).
Genome position (GRCh38, 1-based): chr15:40,416,091, A deleted; the last of 2 consecutive A bases (chr15:40,416,090-40,416,091); deleting either gives the same sequence. VCF-style (leftmost placement, unchanged base first): chr15-40416089-GA-G. GRCh37 (hg19) VCF-style: chr15-40708288-GA-G.
Other names: c.884del, p.Lys295fs (NM_001159508.3); c.926del, p.Lys309fs (NM_001354597.3); c.974del, p.Lys325fs (NM_001354598.3, NM_001354601.3); c.1061del, p.Lys354fs (NM_001354599.3, NM_001354600.3); short protein forms K325fs, K354fs, K295fs, K309fs.
Identifiers: ClinVar variation 552711 (VCV000552711.4), dbSNP rs1555405070, ClinGen allele CA658823799.